The following is an entry in ClinVar:

ClinVar aggregate classification (germline): Uncertain significance (1 of 4 stars; one submission).

Conditions:
Bethlem myopathy 1A. Also called: Bethlem myopathy 1; MYOPATHY, BENIGN CONGENITAL, WITH CONTRACTURES; Bethlem Muscular Dystrophy. Identifiers: Orphanet 610, MedGen CN029274, MONDO:0024530, OMIM 158810.

Submission:

Labcorp Genetics (formerly Invitae), Labcorp
Classification: Uncertain significance for Bethlem myopathy 1A. Last evaluated: 2023-04-01. Review status: criteria provided, single submitter. Criteria: Invitae Variant Classification Sherloc (09022015). Collection method: clinical testing. Allele origin: germline.
Comment: This variant has not been reported in the literature in individuals affected with COL6A3-related conditions. In summary, the available evidence is currently insufficient to determine the role of this variant in disease. Therefore, it has been classified as a Variant of Uncertain Significance. Advanced modeling of protein sequence and biophysical properties (such as structural, functional, and spatial information, amino acid conservation, physicochemical variation, residue mobility, and thermodynamic stability) performed at Invitae indicates that this missense variant is not expected to disrupt COL6A3 protein function. This variant is not present in population databases (gnomAD no frequency). This sequence change replaces threonine, which is neutral and polar, with lysine, which is basic and polar, at codon 689 of the COL6A3 protein (p.Thr689Lys).

NM_004369.4(COL6A3):c.2066C>A (p.Thr689Lys)

Gene: COL6A3 (collagen type VI alpha 3 chain; minus strand). Cytogenetic location: 2q37.3.
Variant type: single nucleotide variant.
Coding change: c.2066C>A on transcript NM_004369.4 (MANE Select); coding-DNA position 2066, C replaced by A.
Protein change: p.Thr689Lys; replaces threonine 689 with lysine.
Molecular consequence: missense variant. On other transcripts: intron variant (1).
Genome position (GRCh38, 1-based): chr2:237,379,067, G>T on the plus strand (C>A on the coding strand, the complement: COL6A3 is on the minus strand). VCF-style: chr2-237379067-G-T. GRCh37 (hg19) VCF-style: chr2-238287710-G-T.
Other names: c.845C>A, p.Thr282Lys (NM_057164.5); c.1448C>A, p.Thr483Lys (NM_057165.5, NM_057167.4); c.677-1723C>A (NM_057166.5); short protein forms T689K, T282K, T483K.
Identifiers: ClinVar variation 2849195 (VCV002849195.3), dbSNP rs762162177, ClinGen allele CA351214728.